The following is an entry in ClinVar:

ClinVar aggregate classification (germline): Conflicting classifications of pathogenicity. Review status: criteria provided, conflicting classifications (1 of 4 stars). 2 submissions from 2 submitters: Likely pathogenic (1); Uncertain significance (1). Last evaluated 2021-04-02.

Conditions:
Fetal akinesia deformation sequence 1 (FADS1). Also called: Fetal akinesia sequence; Pena-Shokeir syndrome type I. Identifiers: Orphanet 994, MedGen C1276035, MONDO:0100101, OMIM 208150, HP:0001989.
Congenital myasthenic syndrome 9. Also called: Myasthenic syndrome, congenital, 9, associated with acetylcholine receptor deficiency. Identifiers: Orphanet 590, MedGen C4225368, MONDO:0014587, OMIM 616325.

Submissions (2):

Labcorp Genetics (formerly Invitae), Labcorp
Classification: Likely pathogenic for Congenital myasthenic syndrome 9; Fetal akinesia deformation sequence 1. Last evaluated: 2021-04-02. Review status: criteria provided, single submitter. Criteria: Invitae Variant Classification Sherloc (09022015). Collection method: clinical testing. Allele origin: germline.
Comment: In summary, the currently available evidence indicates that the variant is pathogenic, but additional data are needed to prove that conclusively. Therefore, this variant has been classified as Likely Pathogenic. Advanced modeling of protein sequence and biophysical properties (such as structural, functional, and spatial information, amino acid conservation, physicochemical variation, residue mobility, and thermodynamic stability) performed at Invitae indicates that this missense variant is expected to disrupt MUSK protein function. This variant has been observed in individual(s) with clinical features of congenital myasthenic syndrome (Invitae). In at least one individual the data is consistent with the variant being in trans (on the opposite chromosome) from a pathogenic variant. ClinVar contains an entry for this variant (Variation ID: 841962). This variant is not present in population databases (ExAC no frequency). This sequence change replaces leucine with phenylalanine at codon 821 of the MUSK protein (p.Leu821Phe). The leucine residue is highly conserved and there is a small physicochemical difference between leucine and phenylalanine.

Revvity Omics, Revvity
Classification: Uncertain significance. Last evaluated: 2019-07-10. Review status: criteria provided, single submitter. Criteria: ACMG Guidelines, 2015. Collection method: clinical testing. Allele origin: germline.

NM_005592.4(MUSK):c.2461C>T (p.Leu821Phe)

Gene: MUSK (muscle associated receptor tyrosine kinase; plus strand). Cytogenetic location: 9q31.3.
Variant type: single nucleotide variant.
Coding change: c.2461C>T on transcript NM_005592.4 (MANE Select); coding-DNA position 2461, C replaced by T.
Protein change: p.Leu821Phe; replaces leucine 821 with phenylalanine.
Molecular consequence: missense variant.
Genome position (GRCh38, 1-based): chr9:110,800,839, C>T. VCF-style: chr9-110800839-C-T. GRCh37 (hg19) VCF-style: chr9-113563119-C-T.
Other names: c.2203C>T, p.Leu735Phe (NM_001166280.2); c.2173C>T, p.Leu725Phe (NM_001166281.2); c.1201C>T, p.Leu401Phe (NM_001369398.1); short protein forms L401F, L735F, L821F, L725F.
Identifiers: ClinVar variation 841962 (VCV000841962.16), dbSNP rs2078085499, ClinGen allele CA374479832.